The following is an entry in ClinVar:

ClinVar aggregate classification (germline): Uncertain significance. Review status: criteria provided, multiple submitters, no conflicts (2 of 4 stars). 3 submissions from 3 submitters: Uncertain significance (3). Last evaluated 2025-01-15.

Conditions:
RASA2-related disorder. Also called: RASA2-related condition.

Submissions (3):

PreventionGenetics, part of Exact Sciences
Classification: Uncertain significance for RASA2-related condition. Last evaluated: 2025-01-15. Review status: criteria provided, single submitter. Criteria: ACMG Guidelines, 2015. Collection method: clinical testing. Allele origin: germline.
Comment: The RASA2 c.2069A>C variant is predicted to result in the amino acid substitution p.Gln690Pro. To our knowledge, this variant has not been reported in the literature or in a large population database (gnomAD), indicating this variant is rare. At this time, the clinical significance of this variant is uncertain due to the absence of conclusive functional and genetic evidence.

Labcorp Genetics (formerly Invitae), Labcorp
Classification: Uncertain significance. Last evaluated: 2024-04-06. Review status: criteria provided, single submitter. Criteria: Invitae Variant Classification Sherloc (09022015). Collection method: clinical testing. Allele origin: germline.
Comment: This sequence change replaces glutamine, which is neutral and polar, with proline, which is neutral and non-polar, at codon 686 of the RASA2 protein (p.Gln686Pro). This variant is not present in population databases (gnomAD no frequency). This variant has not been reported in the literature in individuals affected with RASA2-related conditions. Advanced modeling of protein sequence and biophysical properties (such as structural, functional, and spatial information, amino acid conservation, physicochemical variation, residue mobility, and thermodynamic stability) performed at Invitae indicates that this missense variant is expected to disrupt RASA2 protein function with a positive predictive value of 80%. In summary, the available evidence is currently insufficient to determine the role of this variant in disease. Therefore, it has been classified as a Variant of Uncertain Significance.

Women's Health and Genetics/Laboratory Corporation of America, LabCorp
Classification: Uncertain significance. Last evaluated: 2024-03-11. Review status: criteria provided, single submitter. Criteria: LabCorp Variant Classification Summary - May 2015. Collection method: clinical testing. Allele origin: germline.

NM_006506.5(RASA2):c.2057A>C (p.Gln686Pro)

Gene: RASA2 (RAS p21 protein activator 2; plus strand). Cytogenetic location: 3q23.
Variant type: single nucleotide variant.
Coding change: c.2057A>C on transcript NM_006506.5 (MANE Select); coding-DNA position 2057, A replaced by C.
Protein change: p.Gln686Pro; replaces glutamine 686 with proline.
Molecular consequence: missense variant.
Genome position (GRCh38, 1-based): chr3:141,608,529, A>C. VCF-style: chr3-141608529-A-C. GRCh37 (hg19) VCF-style: chr3-141327371-A-C.
Other names: c.2069A>C (NM_001303246.1); c.2060A>C, p.Gln687Pro (NM_001303245.3); c.2069A>C, p.Gln690Pro (NM_001303246.3); short protein forms Q686P, Q687P, Q690P.
Identifiers: ClinVar variation 3233537 (VCV003233537.5), dbSNP rs2478872721, ClinGen allele CA354774303.